The following is an entry in ClinVar:

NM_004329.3(BMPR1A):c.164C>A (p.Thr55Asn)

Gene: BMPR1A (bone morphogenetic protein receptor type 1A; plus strand). Cytogenetic location: 10q23.2.
Variant type: single nucleotide variant.
Coding change: c.164C>A on transcript NM_004329.3 (MANE Select); coding-DNA position 164, C replaced by A.
Protein change: p.Thr55Asn; replaces threonine 55 with asparagine.
Molecular consequence: missense variant. On other transcripts: non-coding transcript variant (3).
Genome position (GRCh38, 1-based): chr10:86,890,158, C>A. VCF-style: chr10-86890158-C-A. GRCh37 (hg19) VCF-style: chr10-88649915-C-A.
Other names: c.164C>A, p.Thr55Asn (NM_001406559.1, NM_001406560.1, NM_001406564.1 and 23 more transcripts); c.80C>A, p.Thr27Asn (NM_001406584.1, NM_001406585.1, NM_001406586.1 and 2 more transcripts); short protein forms T27N, T55N.
Identifiers: ClinVar variation 3481216 (VCV003481216.1).
Genomic context (GRCh38, chr10:86,890,158, plus strand): 5'-TGAAATCAGACTCCGACCAGAAAAAGTCAGAAAATGGAGTAACCTTAGCACCAGAGGATA[C>A]CTTGCCTTTTTTAAAGTGCTATTGCTCAGGGCACTGTCCAGATGATGCTATTAATAACAC-3'
Protein context (NP_004320.2, residues 45-65): ENGVTLAPED[Thr55Asn]LPFLKCYCSG

ClinVar aggregate classification (germline): Uncertain significance (1 of 4 stars; one submission).

Conditions:
Hereditary cancer-predisposing syndrome. Also called: Tumor predisposition; Neoplastic Syndromes, Hereditary; Hereditary Cancer Syndrome; Hereditary neoplastic syndrome. Identifiers: Orphanet 140162, MedGen C0027672, MeSH D009386, MONDO:0015356.

Submission:

Ambry Genetics
Classification: Uncertain significance for Hereditary cancer-predisposing syndrome. Last evaluated: 2024-06-27. Review status: criteria provided, single submitter. Criteria: Ambry Variant Classification Scheme 2023. Collection method: clinical testing. Allele origin: germline.
Comment: The p.T55N variant (also known as c.164C>A), located in coding exon 2 of the BMPR1A gene, results from a C to A substitution at nucleotide position 164. The threonine at codon 55 is replaced by asparagine, an amino acid with similar properties. This amino acid position is conserved. In addition, this alteration is predicted to be tolerated by in silico analysis. Based on the available evidence, the clinical significance of this variant remains unclear.